The following is an entry in ClinVar:

ClinVar aggregate classification (germline): Uncertain significance (1 of 4 stars; one submission).

Conditions:
Hereditary cancer-predisposing syndrome. Also called: Tumor predisposition; Hereditary neoplastic syndrome; Hereditary Cancer Syndrome; Neoplastic Syndromes, Hereditary. Identifiers: Orphanet 140162, MedGen C0027672, MeSH D009386, MONDO:0015356.

Submission:

Ambry Genetics
Classification: Uncertain significance for Hereditary cancer-predisposing syndrome. Last evaluated: 2025-05-29. Review status: criteria provided, single submitter. Criteria: Ambry Variant Classification Scheme 2023. Collection method: clinical testing. Allele origin: germline.
Comment: The c.-3T>C variant is located in the 5' untranslated region (5&rsquo; UTR) of the PMS2 gene. This variant results from a T to C substitution 3 bases upstream from the first translated codon. This nucleotide position is well conserved in available vertebrate species. Based on the available evidence, the clinical significance of this variant remains unclear.

NM_000535.7(PMS2):c.-3T>C

Gene: PMS2 (PMS1 homolog 2, mismatch repair system component; minus strand). Cytogenetic location: 7p22.1.
Variant type: single nucleotide variant.
Coding change: c.-3T>C on transcript NM_000535.7 (MANE Select); 3 bases upstream of the start codon, T replaced by C.
Molecular consequence: 5 prime UTR variant. On other transcripts: non-coding transcript variant (1).
Genome position (GRCh38, 1-based): chr7:6,009,022, A>G on the plus strand (T>C on the coding strand, the complement: PMS2 is on the minus strand). VCF-style: chr7-6009022-A-G. GRCh37 (hg19) VCF-style: chr7-6048653-A-G.
Other names: c.-215T>C (NM_001406895.1); c.-218T>C (NM_001406896.1, NM_001406901.1, NM_001406903.1 and 2 more transcripts); c.-593T>C (NM_001406897.1, NM_001322009.2); c.-580T>C (NM_001406898.1); c.-541T>C (NM_001406899.1); c.-384T>C (NM_001406900.1); c.-213T>C (NM_001406902.1, NM_001406883.1); c.-350T>C (NM_001406904.1, NM_001406889.1); and 19 more.
Identifiers: ClinVar variation 3935153 (VCV003935153.1).
Genomic context (GRCh38, chr7:6,009,022, plus strand): 5'-AGAGGGGACACCGGAAGACTGCGAGCCCCGCTCACCTCGAGCTCTCAGCTCGCTCCATGG[A>G]TGCAACACCCGATCCGCCTCGGGGACTGGGAAAGTTCCCTCCAGGGCTCCCACAGGCGCT-3'